The following is an entry in ClinVar:

ClinVar aggregate classification (germline): Conflicting classifications of pathogenicity. Review status: criteria provided, conflicting classifications (1 of 4 stars). 2 submissions from 2 submitters: Likely pathogenic (1); Uncertain significance (1). Last evaluated 2025-08-06.

Conditions:
Hereditary cancer-predisposing syndrome. Also called: Hereditary neoplastic syndrome; Neoplastic Syndromes, Hereditary; Tumor predisposition; Hereditary Cancer Syndrome. Identifiers: Orphanet 140162, MedGen C0027672, MeSH D009386, MONDO:0015356.

Allele frequency attached by ClinVar (database versions not stated): gnomAD exomes below 0.00001.
gnomAD v4.1: 2 of 1,580,916 alleles (0.00013%); highest among the groups gnomAD compares: Non-Finnish European, 0.00017%; no homozygotes.

Submissions (2):

Ambry Genetics
Classification: Uncertain significance for Hereditary cancer-predisposing syndrome. Last evaluated: 2025-08-06. Review status: criteria provided, single submitter. Criteria: Ambry Variant Classification Scheme 2023. Collection method: clinical testing. Allele origin: germline.
Comment: The c.4953-2A>G intronic variant results from an A to G substitution two nucleotides upstream from coding exon 38 in the POLE gene. This nucleotide position is highly conserved in available vertebrate species. In silico splice site analysis predicts that this alteration will weaken the native splice acceptor site and will result in the creation or strengthening of a novel splice acceptor site. RNA studies have demonstrated that this alteration results in abnormal splicing in the set of samples tested (Ambry internal data). Alterations that disrupt the canonical splice site are expected to cause aberrant splicing, resulting in an abnormal protein or a transcript that is subject to nonsense-mediated mRNA decay. Although biallelic loss of function of POLE has been associated with autosomal recessive POLE deficiency, haploinsufficiency of POLE has not been established as a mechanism of disease for POLE-related polymerase proofreading-associated polyposis (PPAP) and POLE-related CMMRD-like syndrome. Based on the supporting evidence, this variant is expected to be causative of POLE deficiency when present along with a second pathogenic variant on the other allele; however, its clinical significance for PPAP and POLE-related CMMRD-like syndrome is unclear.

Labcorp Genetics (formerly Invitae), Labcorp
Classification: Likely pathogenic. Last evaluated: 2024-10-21. Review status: criteria provided, single submitter. Criteria: Invitae Variant Classification Sherloc (09022015). Collection method: clinical testing. Allele origin: germline.
Comment: This sequence change affects an acceptor splice site in intron 37 of the POLE gene. It is expected to disrupt RNA splicing. Variants that disrupt the donor or acceptor splice site typically lead to a loss of protein function (PMID: 16199547), and loss-of-function variants in POLE are known to be pathogenic (PMID: 23230001, 25948378, 30503519). This variant is not present in population databases (gnomAD no frequency). This variant has not been reported in the literature in individuals affected with POLE-related conditions. ClinVar contains an entry for this variant (Variation ID: 939136). Algorithms developed to predict the effect of sequence changes on RNA splicing suggest that this variant may disrupt the consensus splice site. In summary, the currently available evidence indicates that the variant is pathogenic, but additional data are needed to prove that conclusively. Therefore, this variant has been classified as Likely Pathogenic.

Literature cited by the submitters: PubMed 16199547 (cited by Labcorp Genetics (formerly Invitae), Labcorp); PubMed 23230001 (cited by Labcorp Genetics (formerly Invitae), Labcorp); PubMed 25948378 (cited by Labcorp Genetics (formerly Invitae), Labcorp); PubMed 30503519 (cited by Labcorp Genetics (formerly Invitae), Labcorp).

NM_006231.4(POLE):c.4953-2A>G

Gene: POLE (DNA polymerase epsilon, catalytic subunit; minus strand). Cytogenetic location: 12q24.33.
Variant type: single nucleotide variant.
Coding change: c.4953-2A>G on transcript NM_006231.4 (MANE Select); the canonical splice acceptor site of the intron before coding-DNA position 4953, A replaced by G.
Molecular consequence: splice acceptor variant.
Genome position (GRCh38, 1-based): chr12:132,642,399, T>C on the plus strand (A>G on the coding strand, the complement: POLE is on the minus strand). VCF-style: chr12-132642399-T-C. GRCh37 (hg19) VCF-style: chr12-133218985-T-C.
Other names: c.4953-2A>G (NM_006231.2).
Identifiers: ClinVar variation 939136 (VCV000939136.9), dbSNP rs2042166568, ClinGen allele CA387377752.